The following is an entry in ClinVar:

NM_022489.4(INF2):c.1348G>C (p.Gly450Arg)

Gene: INF2 (inverted formin 2; plus strand). Cytogenetic location: 14q32.33.
Variant type: single nucleotide variant.
Coding change: c.1348G>C on transcript NM_022489.4 (MANE Select); coding-DNA position 1348, G replaced by C.
Protein change: p.Gly450Arg; replaces glycine 450 with arginine.
Molecular consequence: missense variant.
Genome position (GRCh38, 1-based): chr14:104,707,615, G>C. VCF-style: chr14-104707615-G-C. GRCh37 (hg19) VCF-style: chr14-105173952-G-C.
Other names: c.1348G>C, p.Gly450Arg (NM_001031714.4); short protein forms G450R.
Identifiers: ClinVar variation 862447 (VCV000862447.15), dbSNP rs572969666, ClinGen allele CA391216680.
Genomic context (GRCh38, chr14:104,707,615, plus strand): 5'-CTCCCTGGTTCCAGTGCCGAGCCCCCTCCCCCTCCCCCACCACCCCCCCTGCCCAGTGTG[G>C]GGGCTAAGGCCCTCCCAACAGCACCCCCGCCCCCACCCCTGCCAGGCCTGGGGGCCATGG-3'
Protein context (NP_071934.3, residues 440-460): PPPPPPLPSV[Gly450Arg]AKALPTAPPP

ClinVar aggregate classification (germline): Conflicting classifications of pathogenicity. Review status: criteria provided, conflicting classifications (1 of 4 stars). 4 submissions from 4 submitters: Uncertain significance (1); Likely benign (3). Last evaluated 2026-08-28.

Conditions:
Focal segmental glomerulosclerosis 5 (FSGS5). Identifiers: Orphanet 656, MedGen C2750475, MONDO:0013191, OMIM 613237.
Charcot-Marie-Tooth disease dominant intermediate E. Also called: CHARCOT-MARIE-TOOTH NEUROPATHY WITH FOCAL SEGMENTAL GLOMERULONEPHRITIS. Identifiers: Orphanet 93114, MedGen C4302667, MONDO:0013758, OMIM 614455.
INF2-related disorder. Also called: INF2-related condition.

gnomAD v4.1: 45 of 1,119,098 alleles (0.004%); highest among the groups gnomAD compares: Non-Finnish European, 0.0052%; no homozygotes.

Submissions (4):

PreventionGenetics, part of Exact Sciences
Classification: Likely benign for INF2-related condition. Last evaluated: 2026-08-28. Review status: criteria provided, single submitter. Criteria: ACMG Guidelines, 2015. Collection method: clinical testing. Allele origin: germline.
Comment: This variant is classified as likely benign based on ACMG/AMP sequence variant interpretation guidelines (Richards et al. 2015 PMID: 25741868, with internal and published modifications).

CeGaT Center for Human Genetics Tuebingen
Classification: Likely benign. Last evaluated: 2026-01-01. Review status: criteria provided, single submitter. Criteria: CeGaT Center For Human Genetics Tuebingen Variant Classification Criteria Version 2. Collection method: clinical testing. Allele origin: germline. Affected: yes. Observed: 1 variant allele.
Comment: INF2: BS1

Labcorp Genetics (formerly Invitae), Labcorp
Classification: Likely benign for Charcot-Marie-Tooth disease dominant intermediate E; Focal segmental glomerulosclerosis 5. Last evaluated: 2024-09-30. Review status: criteria provided, single submitter. Criteria: Invitae Variant Classification Sherloc (09022015). Collection method: clinical testing. Allele origin: germline.

Fulgent Genetics
Classification: Uncertain significance for Focal segmental glomerulosclerosis 5; Charcot-Marie-Tooth disease dominant intermediate E. Last evaluated: 2024-03-28. Review status: criteria provided, single submitter. Criteria: ACMG Guidelines, 2015. Collection method: clinical testing. Allele origin: germline.